The following is an entry in ClinVar:

ClinVar aggregate classification (germline): Benign/Likely benign. Review status: criteria provided, multiple submitters, no conflicts (2 of 4 stars). 4 submissions from 4 submitters: Benign (1); Likely benign (3). Last evaluated 2025-10-23.

Conditions:
CHD2-related disorder. Also called: CHD2-related condition.
Inborn genetic diseases. Identifiers: MedGen C0950123, MeSH D030342.
Developmental and epileptic encephalopathy 94 (DEE94). Also called: Epileptic encephalopathy, childhood-onset; CHD2-Related Neurodevelopmental Disorders. Identifiers: Orphanet 1942, Orphanet 2382, MedGen C3809278, MONDO:0014150, OMIM 615369.

Allele frequency attached by ClinVar (database versions not stated): gnomAD exomes 0.00002 and 0.00006; ExAC 0.00008; ESP Exome Variant Server 0.00015; gnomAD 0.00015 and 0.00017; 1000 Genomes Project 30x 0.00016; 1000 Genomes Project 0.00020; TOPMed 0.00020.
gnomAD v4.1: 51 of 1,603,296 alleles (0.0032%); highest among the groups gnomAD compares: African/African-American, 0.066%; no homozygotes.

Submissions (4):

Labcorp Genetics (formerly Invitae), Labcorp
Classification: Likely benign for Developmental and epileptic encephalopathy 94. Last evaluated: 2025-10-23. Review status: criteria provided, single submitter. Criteria: Invitae Variant Classification Sherloc (09022015). Collection method: clinical testing. Allele origin: germline.

PreventionGenetics, part of Exact Sciences
Classification: Likely benign for CHD2-related condition. Last evaluated: 2024-10-29. Review status: criteria provided, single submitter. Criteria: ACMG Guidelines, 2015. Collection method: clinical testing. Allele origin: germline.
Comment: This variant is classified as likely benign based on ACMG/AMP sequence variant interpretation guidelines (Richards et al. 2015 PMID: 25741868, with internal and published modifications).

Ambry Genetics
Classification: Likely benign for Inborn genetic diseases. Last evaluated: 2021-06-29. Review status: criteria provided, single submitter. Criteria: Ambry Variant Classification Scheme 2023. Collection method: clinical testing. Allele origin: germline.

GeneDx
Classification: Benign. Last evaluated: 2019-03-08. Review status: criteria provided, single submitter. Criteria: GeneDx Variant Classification Process June 2021. Collection method: clinical testing. Allele origin: germline. Affected: yes.

NM_001271.4(CHD2):c.4009-4C>T

Gene: CHD2 (chromodomain helicase DNA binding protein 2; plus strand). Cytogenetic location: 15q26.1.
Variant type: single nucleotide variant.
Coding change: c.4009-4C>T on transcript NM_001271.4 (MANE Select); 4 bases into the intron before coding-DNA position 4009, C replaced by T.
Molecular consequence: intron variant.
Genome position (GRCh38, 1-based): chr15:93,000,508, C>T. VCF-style: chr15-93000508-C-T. GRCh37 (hg19) VCF-style: chr15-93543738-C-T.
Identifiers: ClinVar variation 701017 (VCV000701017.13), dbSNP rs376566234, ClinGen allele CA7748352.
Genomic context (GRCh38, chr15:93,000,508, plus strand): 5'-TGTTTGGTTATGCTTTTGAGTGTCTTGATTTGTATTTTAATCATCATTTTCTCTCCTTTT[C>T]CAGGCCAAATTAAAGAAGCGGAAGCCTCGGGTAAAGAAGGAAAACAAAGTGCCCAGGCTG-3'